The following is an entry in ClinVar:

NM_000070.3(CAPN3):c.412C>G (p.Leu138Val)

Genes: CAPN3 (calpain 3; plus strand), LOC126862115 (BRD4-independent group 4 enhancer GRCh37_chr15:42677734-42678933; plus strand). Cytogenetic location: 15q15.1.
Variant type: single nucleotide variant.
Coding change: c.412C>G on transcript NM_000070.3 (MANE Select); coding-DNA position 412, C replaced by G.
Protein change: p.Leu138Val; replaces leucine 138 with valine.
Molecular consequence: missense variant.
Genome position (GRCh38, 1-based): chr15:42,386,199, C>G. VCF-style: chr15-42386199-C-G. GRCh37 (hg19) VCF-style: chr15-42678397-C-G.
Other names: c.412C>G, p.Leu138Val (NM_024344.2, NM_173087.2); short protein forms L138V.
Identifiers: ClinVar variation 962019 (VCV000962019.10), dbSNP rs1042151947, ClinGen allele CA391997536.

ClinVar aggregate classification (germline): Uncertain significance (1 of 4 stars; one submission).

Conditions:
Autosomal recessive limb-girdle muscular dystrophy type 2A (LGMDR1). Also called: Limb-girdle muscular dystrophy, type 2A; Calpainopathy; LEYDEN-MOEBIUS MUSCULAR DYSTROPHY; MUSCULAR DYSTROPHY, PELVOFEMORAL; Muscular dystrophy, limb-girdle, type 2A, Amish. Identifiers: Orphanet 267, MedGen C1869123, MONDO:0009675, OMIM 253600. Disease mechanism: loss of function.

Submission:

Labcorp Genetics (formerly Invitae), Labcorp
Classification: Uncertain significance for Autosomal recessive limb-girdle muscular dystrophy type 2A. Last evaluated: 2021-04-12. Review status: criteria provided, single submitter. Criteria: Invitae Variant Classification Sherloc (09022015). Collection method: clinical testing. Allele origin: germline.
Comment: In summary, the available evidence is currently insufficient to determine the role of this variant in disease. Therefore, it has been classified as a Variant of Uncertain Significance. Algorithms developed to predict the effect of missense changes on protein structure and function are either unavailable or do not agree on the potential impact of this missense change (SIFT: "Deleterious"; PolyPhen-2: "Probably Damaging"; Align-GVGD: "Class C0"). This variant has not been reported in the literature in individuals with CAPN3-related conditions. This variant is not present in population databases (ExAC no frequency). This sequence change replaces leucine with valine at codon 138 of the CAPN3 protein (p.Leu138Val). The leucine residue is highly conserved and there is a small physicochemical difference between leucine and valine.